The following is an entry in ClinVar:

ClinVar aggregate classification (germline): Uncertain significance (1 of 4 stars; one submission).

Allele frequency attached by ClinVar (database versions not stated): gnomAD exomes below 0.00001.
gnomAD v4.1: 1 of 1,607,000 alleles (0.000062%); highest among the groups gnomAD compares: African/African-American, 0.0013%; no homozygotes.

Submission:

Labcorp Genetics (formerly Invitae), Labcorp
Classification: Uncertain significance. Last evaluated: 2022-01-14. Review status: criteria provided, single submitter. Criteria: Invitae Variant Classification Sherloc (09022015). Collection method: clinical testing. Allele origin: germline.
Comment: In summary, the available evidence is currently insufficient to determine the role of this variant in disease. Therefore, it has been classified as a Variant of Uncertain Significance. This sequence change replaces alanine, which is neutral and non-polar, with threonine, which is neutral and polar, at codon 125 of the MAP3K20 protein (p.Ala125Thr). This variant is not present in population databases (gnomAD no frequency). This variant has not been reported in the literature in individuals affected with MAP3K20-related conditions. Experimental studies and prediction algorithms are not available or were not evaluated, and the functional significance of this variant is currently unknown.

NM_016653.3(MAP3K20):c.373G>A (p.Ala125Thr)

Gene: MAP3K20 (mitogen-activated protein kinase kinase kinase 20; plus strand). Cytogenetic location: 2q31.1.
Variant type: single nucleotide variant.
Coding change: c.373G>A on transcript NM_016653.3 (MANE Select); coding-DNA position 373, G replaced by A.
Protein change: p.Ala125Thr; replaces alanine 125 with threonine.
Molecular consequence: missense variant.
Genome position (GRCh38, 1-based): chr2:173,187,581, G>A. VCF-style: chr2-173187581-G-A. GRCh37 (hg19) VCF-style: chr2-174052309-G-A.
Other names: c.373G>A, p.Ala125Thr (NM_133646.3); short protein forms A125T.
Identifiers: ClinVar variation 1960413 (VCV001960413.5), dbSNP rs1690525512, ClinGen allele CA349312895.